The following is an entry in ClinVar:

NM_001904.4(CTNNB1):c.1760G>A (p.Arg587Gln)

Gene: CTNNB1 (catenin beta 1; plus strand). Cytogenetic location: 3p22.1.
Variant type: single nucleotide variant.
Coding change: c.1760G>A on transcript NM_001904.4 (MANE Select); coding-DNA position 1760, G replaced by A.
Protein change: p.Arg587Gln; replaces arginine 587 with glutamine.
Molecular consequence: missense variant.
Genome position (GRCh38, 1-based): chr3:41,235,800, G>A. VCF-style: chr3-41235800-G-A. GRCh37 (hg19) VCF-style: chr3-41277291-G-A.
Other names: c.1760G>A, p.Arg587Gln (NM_001098209.2, NM_001098210.2); c.1739G>A, p.Arg580Gln (NM_001330729.2); short protein forms R580Q, R587Q.
Identifiers: ClinVar variation 1209323 (VCV001209323.3), dbSNP rs762495207, ClinGen allele CA352235710.

ClinVar aggregate classification (germline): Uncertain significance (1 of 4 stars; one submission).

Submission:

GeneDx
Classification: Uncertain significance. Last evaluated: 2020-01-03. Review status: criteria provided, single submitter. Criteria: GeneDx Variant Classification Process June 2021. Collection method: clinical testing. Allele origin: germline. Affected: yes.
Comment: Not observed in large population cohorts (Lek et al., 2016); In silico analysis, which includes protein predictors and evolutionary conservation, supports a deleterious effect; Has not been previously published as pathogenic or benign to our knowledge